The following is an entry in ClinVar:

NM_000465.4(BARD1):c.373G>T (p.Glu125Ter)

Gene: BARD1 (BRCA1 associated RING domain 1; minus strand). Cytogenetic location: 2q35.
Variant type: single nucleotide variant.
Coding change: c.373G>T on transcript NM_000465.4 (MANE Select); coding-DNA position 373, G replaced by T.
Protein change: p.Glu125Ter; replaces glutamic acid 125 with a stop codon.
Molecular consequence: nonsense. On other transcripts: non-coding transcript variant (2), intron variant (3).
Genome position (GRCh38, 1-based): chr2:214,781,501, C>A on the plus strand (G>T on the coding strand, the complement: BARD1 is on the minus strand). VCF-style: chr2-214781501-C-A. GRCh37 (hg19) VCF-style: chr2-215646225-C-A.
Other names: c.316G>T, p.Glu106Ter (NM_001282543.2); c.158+27911G>T (NM_001282548.2); c.215+15560G>T (NM_001282545.2); c.364+10796G>T (NM_001282549.2); short protein forms E125*, E106*.
Identifiers: ClinVar variation 490967 (VCV000490967.6), dbSNP rs1553622720, ClinGen allele CA350458359.

ClinVar aggregate classification (germline): Pathogenic. Review status: criteria provided, multiple submitters, no conflicts (2 of 4 stars). 2 submissions from 2 submitters: Pathogenic (2). Last evaluated 2020-05-14.

Conditions:
Hereditary cancer-predisposing syndrome. Also called: Hereditary Cancer Syndrome; Neoplastic Syndromes, Hereditary; Hereditary neoplastic syndrome; Tumor predisposition. Identifiers: Orphanet 140162, MedGen C0027672, MeSH D009386, MONDO:0015356.
Familial cancer of breast. Also called: Hereditary breast cancer; hereditary breast carcinoma; BREAST CANCER, FAMILIAL. Identifiers: Orphanet 227535, MedGen C0346153, MONDO:0016419, OMIM 114480. Disease mechanism: loss of function.

Allele frequency attached by ClinVar (database versions not stated): gnomAD exomes below 0.00001.
gnomAD v4.1: 1 of 1,608,796 alleles (0.000062%); highest among the groups gnomAD compares: East Asian, 0.0022%; no homozygotes.

Submissions (2):

Color Diagnostics, LLC DBA Color Health
Classification: Pathogenic for Hereditary cancer-predisposing syndrome. Last evaluated: 2020-05-14. Review status: criteria provided, single submitter. Criteria: ACMG Guidelines, 2015. Collection method: clinical testing. Allele origin: germline.
Comment: This variant changes 1 nucleotide in exon 4 of the BARD1 gene, creating a premature translation stop signal. This variant is expected to result in an absent or non-functional protein product. To our knowledge, this variant has not been reported in individuals affected with hereditary cancer in the literature. This variant has not been identified in the general population by the Genome Aggregation Database (gnomAD). Loss of BARD1 function is a known mechanism of disease. Based on the available evidence, this variant is classified as Pathogenic.

Juno Genomics, Hangzhou Juno Genomics, Inc
Classification: Pathogenic for Familial cancer of breast. Review status: criteria provided, single submitter. Criteria: ACMG Guidelines, 2015. Collection method: clinical testing. Allele origin: germline.
Comment: Absent from controls (or at extremely low frequency if recessive) in Genome Aggregation Database.;Null variant in a gene where loss of function (LOF) is a known mechanism of disease.;The prevalence of the variant in affected individuals is significantly increased compared to the prevalence in controls.